The following is an entry in ClinVar:

ClinVar aggregate classification (germline): Uncertain significance (1 of 4 stars; one submission).

Allele frequency attached by ClinVar (database versions not stated): gnomAD exomes below 0.00001; TOPMed 0.00001.
gnomAD v4.1: 2 of 1,613,830 alleles (0.00012%); highest among the groups gnomAD compares: Non-Finnish European, 0.00017%; no homozygotes.

Submission:

Labcorp Genetics (formerly Invitae), Labcorp
Classification: Uncertain significance. Last evaluated: 2025-03-18. Review status: criteria provided, single submitter. Criteria: Invitae Variant Classification Sherloc (09022015). Collection method: clinical testing. Allele origin: germline.
Comment: This sequence change replaces glycine, which is neutral and non-polar, with arginine, which is basic and polar, at codon 323 of the SERPINH1 protein (p.Gly323Arg). This variant is not present in population databases (gnomAD no frequency). This variant has not been reported in the literature in individuals affected with SERPINH1-related conditions. ClinVar contains an entry for this variant (Variation ID: 2192041). Invitae Evidence Modeling of protein sequence and biophysical properties (such as structural, functional, and spatial information, amino acid conservation, physicochemical variation, residue mobility, and thermodynamic stability) indicates that this missense variant is not expected to disrupt SERPINH1 protein function with a negative predictive value of 80%. In summary, the available evidence is currently insufficient to determine the role of this variant in disease. Therefore, it has been classified as a Variant of Uncertain Significance.

NM_001235.5(SERPINH1):c.967G>A (p.Gly323Arg)

Gene: SERPINH1 (serpin family H member 1; plus strand). Cytogenetic location: 11q13.5.
Variant type: single nucleotide variant.
Coding change: c.967G>A on transcript NM_001235.5 (MANE Select); coding-DNA position 967, G replaced by A.
Protein change: p.Gly323Arg; replaces glycine 323 with arginine.
Molecular consequence: missense variant.
Genome position (GRCh38, 1-based): chr11:75,571,793, G>A. VCF-style: chr11-75571793-G-A. GRCh37 (hg19) VCF-style: chr11-75282838-G-A.
Other names: c.967G>A, p.Gly323Arg (NM_001207014.3); short protein forms G323R.
Identifiers: ClinVar variation 2192041 (VCV002192041.4), dbSNP rs1942198862, ClinGen allele CA381884291.
Genomic context (GRCh38, chr11:75,571,793, plus strand): 5'-GAGCCTGGCAGCCATGGCCTCACCTGGCACACCTCCTTGTTCCCACAGAAACACCTGGCT[G>A]GGCTGGGCCTGACTGAGGCCATTGACAAGAACAAGGCCGACTTGTCACGCATGTCAGGCA-3'
Protein context (NP_001226.2, residues 313-333): VTHDLQKHLA[Gly323Arg]LGLTEAIDKN